The following is an entry in ClinVar:

NM_016938.5(EFEMP2):c.315C>A (p.His105Gln)

Gene: EFEMP2 (EGF-like fibulin extracellular matrix protein 2; minus strand). Cytogenetic location: 11q13.1.
Variant type: single nucleotide variant.
Coding change: c.315C>A on transcript NM_016938.5 (MANE Select); coding-DNA position 315, C replaced by A.
Protein change: p.His105Gln; replaces histidine 105 with glutamine.
Molecular consequence: missense variant. On other transcripts: non-coding transcript variant (1).
Genome position (GRCh38, 1-based): chr11:65,871,209, G>T on the plus strand (C>A on the coding strand, the complement: EFEMP2 is on the minus strand). VCF-style: chr11-65871209-G-T. GRCh37 (hg19) VCF-style: chr11-65638680-G-T.
Other names: short protein forms H105Q.
Identifiers: ClinVar variation 4614075 (VCV004614075.1).
Genomic context (GRCh38, chr11:65,871,209, plus strand): 5'-CCACTCACCCACACAGCTGTCCTGATCGTCGGGCTCATAGCCTGGTGGGCAGGGGTTGGG[G>T]TGTTGAGCGGGAGGCACTGGTGGCGGGGGTCCCTCGCCGTGTAGGTCGTTGATGACGGCA-3'
Protein context (NP_058634.4, residues 95-115): GPPPPVPPAQ[His105Gln]PNPCPPGYEP

ClinVar aggregate classification (germline): Uncertain significance (1 of 4 stars; one submission).

Conditions:
Cardiovascular phenotype. Identifiers: MedGen CN230736.

gnomAD v4.1: 3 of 1,614,102 alleles (0.00019%); highest among the groups gnomAD compares: African/African-American, 0.0027%; no homozygotes.

Submission:

Ambry Genetics
Classification: Uncertain significance for Cardiovascular phenotype. Last evaluated: 2025-12-01. Review status: criteria provided, single submitter. Criteria: Ambry Variant Classification Scheme 2023. Collection method: clinical testing. Allele origin: germline.
Comment: The p.H105Q variant (also known as c.315C>A), located in coding exon 3 of the EFEMP2 gene, results from a C to A substitution at nucleotide position 315. The histidine at codon 105 is replaced by glutamine, an amino acid with highly similar properties. This amino acid position is conserved. In addition, this alteration is predicted to be tolerated by in silico analysis. Based on the available evidence, the clinical significance of this variant remains unclear.